The following is an entry in ClinVar:

NM_173660.5(DOK7):c.894dup (p.Pro299fs)

Gene: DOK7 (docking protein 7; plus strand). Cytogenetic location: 4p16.3.
Variant type: Duplication.
Coding change: c.894dup on transcript NM_173660.5 (MANE Select); coding-DNA position 894, one base duplicated (G; older notation c.894dupG).
Protein change: p.Pro299fs; shifts the reading frame from proline 299.
Molecular consequence: frameshift variant. On other transcripts: 3 prime UTR variant (1), 5 prime UTR variant (1).
Genome position (GRCh38, 1-based): chr4:3,492,880, G duplicated; the last of 4 consecutive G bases (chr4:3,492,877-3,492,880); duplicating any one gives the same sequence. VCF-style (leftmost placement, unchanged base first): chr4-3492876-A-AG. GRCh37 (hg19) VCF-style: chr4-3494603-A-AG.
Other names: c.*115dup (NM_001164673.2); c.-37dup (NM_001256896.2); c.894dup, p.Pro299fs (NM_001301071.2); c.462dup, p.Pro155fs (NM_001363811.2); short protein forms P299fs, P155fs.
Identifiers: ClinVar variation 2932239 (VCV002932239.3), dbSNP rs2475110673, ClinGen allele CA2578030055.
Genomic context (GRCh38, chr4:3,492,876, plus strand): 5'-CCAGCAGCCGGCTCACCGCATGGCCAGAGCAATCCTCGTCGTCAGCCAGCACGTCACAGG[A>AG]GGGGCCTAGACCAGCAGCTGCCCAGGCCGCCGGGGAAGCCATGGTGGGTGCCTCAAGGCC-3'

ClinVar aggregate classification (germline): Pathogenic (1 of 4 stars; one submission).

Conditions:
Congenital myasthenic syndrome 10. Also called: Myasthenia, limb-girdle, familial. Identifiers: Orphanet 590, MedGen C1850792, MONDO:0009690, OMIM 254300.
Fetal akinesia deformation sequence 1 (FADS1). Also called: Fetal akinesia sequence; Pena-Shokeir syndrome type I. Identifiers: Orphanet 994, MedGen C1276035, MONDO:0100101, OMIM 208150, HP:0001989.

Submission:

Labcorp Genetics (formerly Invitae), Labcorp
Classification: Pathogenic for Congenital myasthenic syndrome 10; Fetal akinesia deformation sequence 1. Last evaluated: 2023-07-29. Review status: criteria provided, single submitter. Criteria: Invitae Variant Classification Sherloc (09022015). Collection method: clinical testing. Allele origin: germline.
Comment: This sequence change creates a premature translational stop signal (p.Pro299Alafs*2) in the DOK7 gene. While this is not anticipated to result in nonsense mediated decay, it is expected to disrupt the last 206 amino acid(s) of the DOK7 protein. This variant is not present in population databases (gnomAD no frequency). This variant has not been reported in the literature in individuals affected with DOK7-related conditions. This variant disrupts a region of the DOK7 protein in which other variant(s) (p.Pro486Argfs*15) have been determined to be pathogenic (PMID: 29118959). This suggests that this is a clinically significant region of the protein, and that variants that disrupt it are likely to be disease-causing. For these reasons, this variant has been classified as Pathogenic.

Literature cited by the submitters: PubMed 29118959.